The following is an entry in ClinVar:

ClinVar aggregate classification (germline): Uncertain significance (0 of 4 stars; one submission).

Conditions:
TRPM1-related disorder. Also called: TRPM1-related condition.

Submission:

PreventionGenetics, part of Exact Sciences
Classification: Uncertain significance for TRPM1-related condition. Last evaluated: 2024-03-29. Review status: no assertion criteria provided. Collection method: clinical testing. Allele origin: germline.
Comment: The TRPM1 c.721C>G variant is predicted to result in the amino acid substitution p.Leu241Val. To our knowledge, this variant has not been reported in the literature or in a large population database, indicating this variant is rare. At this time, the clinical significance of this variant is uncertain due to the absence of conclusive functional and genetic evidence.

NM_001252024.2(TRPM1):c.670C>G (p.Leu224Val)

Gene: TRPM1 (transient receptor potential cation channel subfamily M member 1; minus strand). Cytogenetic location: 15q13.3.
Variant type: single nucleotide variant.
Coding change: c.670C>G on transcript NM_001252024.2 (MANE Select); coding-DNA position 670, C replaced by G.
Protein change: p.Leu224Val; replaces leucine 224 with valine.
Molecular consequence: missense variant.
Genome position (GRCh38, 1-based): chr15:31,066,196, G>C on the plus strand (C>G on the coding strand, the complement: TRPM1 is on the minus strand). VCF-style: chr15-31066196-G-C. GRCh37 (hg19) VCF-style: chr15-31358399-G-C.
Other names: c.721C>G, p.Leu241Val (NM_001252020.2); c.604C>G, p.Leu202Val (NM_002420.6); short protein forms L202V, L224V, L241V.
Identifiers: ClinVar variation 3344992 (VCV003344992.1).
Genomic context (GRCh38, chr15:31,066,196, plus strand): 5'-CGCCATACTTGCCCAGGGTGCCATTGTCAGCCAGGATGAAGTGGGTGTGGGAGTTGTTGA[G>C]CACAGAGAGCTTACTTAGAGGGTTGGACATGGTCTGGTACACTCTTGTTACCTGACAAAG-3'
Protein context (NP_001238953.1, residues 214-234): MSNPLSKLSV[Leu224Val]NNSHTHFILA